The following is an entry in ClinVar:

NM_025243.4(SLC19A3):c.488C>T (p.Ser163Phe)

Gene: SLC19A3 (solute carrier family 19 member 3; minus strand). Cytogenetic location: 2q36.3.
Variant type: single nucleotide variant.
Coding change: c.488C>T on transcript NM_025243.4 (MANE Select); coding-DNA position 488, C replaced by T.
Protein change: p.Ser163Phe; replaces serine 163 with phenylalanine.
Molecular consequence: missense variant.
Genome position (GRCh38, 1-based): chr2:227,699,227, G>A on the plus strand (C>T on the coding strand, the complement: SLC19A3 is on the minus strand). VCF-style: chr2-227699227-G-A. GRCh37 (hg19) VCF-style: chr2-228563943-G-A.
Other names: c.488C>T, p.Ser163Phe (NM_001371411.1, NM_001371412.1); c.476C>T, p.Ser159Phe (NM_001371413.1, NM_001371414.1); short protein forms S159F, S163F.
Identifiers: ClinVar variation 1310762 (VCV001310762.9), dbSNP rs898880170, ClinGen allele CA66660483.

ClinVar aggregate classification (germline): Uncertain significance. Review status: criteria provided, multiple submitters, no conflicts (2 of 4 stars). 2 submissions from 2 submitters: Uncertain significance (2). Last evaluated 2022-05-13.

Conditions:
Biotin-responsive basal ganglia disease (BTBGD). Also called: Thiamine metabolism dysfunction syndrome 2 (biotin- or thiamine-responsive encephalopathy type 2); Thiamine metabolism dysfunction syndrome type 2; Thiamine Transporter-2 Deficiency; thiamine-responsive encephalopathy; THIAMINE METABOLISM DYSFUNCTION SYNDROME 2 (BIOTIN- AND THIAMINE-RESPONSIVE TYPE). Identifiers: Orphanet 199348, Orphanet 65284, MedGen C1843807, MONDO:0011841, OMIM 607483.

Allele frequency attached by ClinVar (database versions not stated): TOPMed 0.00001; gnomAD 0.00002.
gnomAD v4.1: 4 of 1,613,986 alleles (0.00025%); highest among the groups gnomAD compares: African/African-American, 0.0053%; no homozygotes.

Submissions (2):

Labcorp Genetics (formerly Invitae), Labcorp
Classification: Uncertain significance for Biotin-responsive basal ganglia disease. Last evaluated: 2022-05-13. Review status: criteria provided, single submitter. Criteria: Invitae Variant Classification Sherloc (09022015). Collection method: clinical testing. Allele origin: germline.
Comment: In summary, the available evidence is currently insufficient to determine the role of this variant in disease. Therefore, it has been classified as a Variant of Uncertain Significance. Advanced modeling of protein sequence and biophysical properties (such as structural, functional, and spatial information, amino acid conservation, physicochemical variation, residue mobility, and thermodynamic stability) performed at Invitae indicates that this missense variant is expected to disrupt SLC19A3 protein function. ClinVar contains an entry for this variant (Variation ID: 1310762). This variant has not been reported in the literature in individuals affected with SLC19A3-related conditions. This variant is present in population databases (no rsID available, gnomAD 0.007%). This sequence change replaces serine, which is neutral and polar, with phenylalanine, which is neutral and non-polar, at codon 163 of the SLC19A3 protein (p.Ser163Phe).

GeneDx
Classification: Uncertain significance. Last evaluated: 2020-01-13. Review status: criteria provided, single submitter. Criteria: GeneDx Variant Classification Process June 2021. Collection method: clinical testing. Allele origin: germline. Affected: yes.
Comment: Not observed at a significant frequency in large population cohorts (Lek et al., 2016); In silico analysis, which includes protein predictors and evolutionary conservation, supports a deleterious effect; Has not been previously published as pathogenic or benign to our knowledge